The following is an entry in ClinVar:

ClinVar aggregate classification (germline): Benign. Review status: criteria provided, multiple submitters, no conflicts (2 of 4 stars). 2 submissions from 2 submitters: Benign (2). Last evaluated 2018-06-14.

Allele frequency attached by ClinVar (database versions not stated): gnomAD 0.01997 and 0.02138; TOPMed 0.02186; 1000 Genomes Project 0.02216; 1000 Genomes Project 30x 0.02342.
gnomAD v4.1: 5,093 of 1,206,542 alleles (0.42%); highest among the groups gnomAD compares: African/African-American, 7%; 175 homozygotes.

Submissions (2):

GeneDx
Classification: Benign. Last evaluated: 2018-06-14. Review status: criteria provided, single submitter. Criteria: GeneDx Variant Classification (06012015). Collection method: clinical testing. Allele origin: germline. Affected: yes.
Comment: This variant is considered likely benign or benign based on one or more of the following criteria: it is a conservative change, it occurs at a poorly conserved position in the protein, it is predicted to be benign by multiple in silico algorithms, and/or has population frequency not consistent with disease.

Breakthrough Genomics
Classification: Benign. Review status: criteria provided, single submitter. Criteria: ACMG Guidelines, 2015. Collection method: not provided. Allele origin: germline. Inheritance: Autosomal recessive inheritance. Affected: yes.

NM_016373.4(WWOX):c.230+104C>T

Gene: WWOX (WW domain containing oxidoreductase; plus strand). Cytogenetic location: 16q23.1.
Variant type: single nucleotide variant.
Coding change: c.230+104C>T on transcript NM_016373.4 (MANE Select); 104 bases into the intron after coding-DNA position 230, C replaced by T.
Molecular consequence: intron variant.
Genome position (GRCh38, 1-based): chr16:78,109,939, C>T. VCF-style: chr16-78109939-C-T. GRCh37 (hg19) VCF-style: chr16-78143836-C-T.
Other names: c.-110+104C>T (NM_001291997.2); c.230+104C>T (NM_130791.5).
Identifiers: ClinVar variation 677439 (VCV000677439.2), dbSNP rs79221901, ClinGen allele CA284517948.